The following is an entry in ClinVar:

NM_016653.3(MAP3K20):c.356A>G (p.His119Arg)

Gene: MAP3K20 (mitogen-activated protein kinase kinase kinase 20; plus strand). Cytogenetic location: 2q31.1.
Variant type: single nucleotide variant.
Coding change: c.356A>G on transcript NM_016653.3 (MANE Select); coding-DNA position 356, A replaced by G.
Protein change: p.His119Arg; replaces histidine 119 with arginine.
Molecular consequence: missense variant.
Genome position (GRCh38, 1-based): chr2:173,187,564, A>G. VCF-style: chr2-173187564-A-G. GRCh37 (hg19) VCF-style: chr2-174052292-A-G.
Other names: c.356A>G, p.His119Arg (NM_133646.3); short protein forms H119R.
Identifiers: ClinVar variation 1358988 (VCV001358988.3), dbSNP rs1482299435, ClinGen allele CA349312853.

ClinVar aggregate classification (germline): Uncertain significance (1 of 4 stars; one submission).

Allele frequency attached by ClinVar (database versions not stated): gnomAD 0.00001; gnomAD exomes 0.00001; TOPMed 0.00001.
gnomAD v4.1: 8 of 1,604,042 alleles (0.0005%); highest among the groups gnomAD compares: African/African-American, 0.0013%; no homozygotes.

Submission:

Labcorp Genetics (formerly Invitae), Labcorp
Classification: Uncertain significance. Last evaluated: 2021-08-02. Review status: criteria provided, single submitter. Criteria: Invitae Variant Classification Sherloc (09022015). Collection method: clinical testing. Allele origin: germline.
Comment: This sequence change replaces histidine with arginine at codon 119 of the MAP3K20 protein (p.His119Arg). The histidine residue is highly conserved and there is a small physicochemical difference between histidine and arginine. This variant is not present in population databases (ExAC no frequency). This variant has not been reported in the literature in individuals affected with MAP3K20-related conditions. Experimental studies and prediction algorithms are not available or were not evaluated, and the functional significance of this variant is currently unknown. In summary, the available evidence is currently insufficient to determine the role of this variant in disease. Therefore, it has been classified as a Variant of Uncertain Significance.